The following is an entry in ClinVar:

NM_001370259.2(MEN1):c.167C>T (p.Thr56Ile)

Gene: MEN1 (menin 1; minus strand). Cytogenetic location: 11q13.1.
Variant type: single nucleotide variant.
Coding change: c.167C>T on transcript NM_001370259.2 (MANE Select); coding-DNA position 167, C replaced by T.
Protein change: p.Thr56Ile; replaces threonine 56 with isoleucine.
Molecular consequence: missense variant.
Genome position (GRCh38, 1-based): chr11:64,809,943, G>A on the plus strand (C>T on the coding strand, the complement: MEN1 is on the minus strand). VCF-style: chr11-64809943-G-A. GRCh37 (hg19) VCF-style: chr11-64577415-G-A.
Other names: c.167C>T, p.Thr56Ile (NM_000244.4, NM_001370251.2, NM_001370260.2 and 20 more transcripts); short protein forms T56I.
Identifiers: ClinVar variation 1777869 (VCV001777869.6), dbSNP rs2136191307, ClinGen allele CA381187730.

ClinVar aggregate classification (germline): Uncertain significance. Review status: criteria provided, multiple submitters, no conflicts (2 of 4 stars). 2 submissions from 2 submitters: Uncertain significance (2). Last evaluated 2025-09-17.

Conditions:
Multiple endocrine neoplasia, type 1 (MEN1). Also called: MEN I; WERMER SYNDROME; Endocrine adenomatosis multiple; MEN 1; MEA I. Identifiers: Orphanet 652, MedGen C0025267, MeSH D018761, MONDO:0007540, OMIM 131100.
Hereditary cancer-predisposing syndrome. Also called: Tumor predisposition; Neoplastic Syndromes, Hereditary; Hereditary Cancer Syndrome; Hereditary neoplastic syndrome. Identifiers: Orphanet 140162, MedGen C0027672, MeSH D009386, MONDO:0015356.

Submissions (2):

Ambry Genetics
Classification: Uncertain significance for Hereditary cancer-predisposing syndrome. Last evaluated: 2025-09-17. Review status: criteria provided, single submitter. Criteria: Ambry Variant Classification Scheme 2023. Collection method: clinical testing. Allele origin: germline.
Comment: The p.T56I variant (also known as c.167C>T), located in coding exon 1 of the MEN1 gene, results from a C to T substitution at nucleotide position 167. The threonine at codon 56 is replaced by isoleucine, an amino acid with similar properties. This variant was reported in individual(s) with features consistent with multiple endocrine neoplasia type 1 (Ambry internal data). This amino acid position is well conserved in available vertebrate species. In addition, the in silico prediction for this alteration is inconclusive. Based on the available evidence, the clinical significance of this variant remains unclear.

Labcorp Genetics (formerly Invitae), Labcorp
Classification: Uncertain significance for Multiple endocrine neoplasia, type 1. Last evaluated: 2024-05-31. Review status: criteria provided, single submitter. Criteria: Invitae Variant Classification Sherloc (09022015). Collection method: clinical testing. Allele origin: germline.
Comment: This sequence change replaces threonine, which is neutral and polar, with isoleucine, which is neutral and non-polar, at codon 56 of the MEN1 protein (p.Thr56Ile). This variant is not present in population databases (gnomAD no frequency). This variant has not been reported in the literature in individuals affected with MEN1-related conditions. ClinVar contains an entry for this variant (Variation ID: 1777869). Advanced modeling of protein sequence and biophysical properties (such as structural, functional, and spatial information, amino acid conservation, physicochemical variation, residue mobility, and thermodynamic stability) has been performed at Invitae for this missense variant, however the output from this modeling did not meet the statistical confidence thresholds required to predict the impact of this variant on MEN1 protein function. In summary, the available evidence is currently insufficient to determine the role of this variant in disease. Therefore, it has been classified as a Variant of Uncertain Significance.